The following is an entry in ClinVar:

NC_000003.12:g.169764629T>G

Gene: TERC (telomerase RNA component; minus strand). Cytogenetic location: 3q26.2.
Variant type: single nucleotide variant.
Genome position: GRCh38 VCF-style: chr3-169764629-T-G. GRCh37 (hg19) VCF-style: chr3-169482417-T-G.
Identifiers: ClinVar variation 1451043 (VCV001451043.8), dbSNP rs1479831336, ClinGen allele CA436714747.

ClinVar aggregate classification (germline): Uncertain significance (1 of 4 stars; one submission).

Conditions:
Dyskeratosis congenita, autosomal dominant 1 (DKCA1). Also called: Dyskeratosis congenita Scoggins type. Identifiers: Orphanet 1775, MedGen C4551974, MONDO:0007485, OMIM 127550. Inheritance: Variable.

Submission:

Labcorp Genetics (formerly Invitae), Labcorp
Classification: Uncertain significance for Dyskeratosis congenita, autosomal dominant 1. Last evaluated: 2020-11-24. Review status: criteria provided, single submitter. Criteria: Invitae Variant Classification Sherloc (09022015). Collection method: clinical testing. Allele origin: germline.
Comment: This variant is not present in population databases (ExAC no frequency). This variant is located within the BoxH/ACA scaRNA domain of the TERC RNA component, which is required for telomerase activity (PMID: 21844345). Functional studies testing the effect of this variant on TERC secondary structure or function have not been reported. In summary, the available evidence is currently insufficient to determine the role of this variant in disease. Therefore, it has been classified as a Variant of Uncertain Significance. This variant has not been reported in the literature in individuals with TERC-related conditions. This variant occurs in the TERC gene, which encodes an RNA molecule that does not result in a protein product.

Literature cited by the submitters: PubMed 21844345.